The following is an entry in ClinVar:

ClinVar aggregate classification (germline): Uncertain significance (1 of 4 stars; one submission).

Submission:

Women's Health and Genetics/Laboratory Corporation of America, LabCorp
Classification: Uncertain significance. Last evaluated: 2025-04-08. Review status: criteria provided, single submitter. Criteria: LabCorp Variant Classification Summary - May 2015. Collection method: clinical testing. Allele origin: germline.
Comment: Variant summary: FOLR1 c.714_715insCTGGGCC (p.Trp239LeufsX11) results in a premature termination codon, predicted to cause a non-NMD truncation of the encoded protein. The variant was absent in 251336 control chromosomes. To our knowledge, no occurrence of c.714_715insCTGGGCC in individuals affected with Cerebral folate transport deficiency and no experimental evidence demonstrating its impact on protein function have been reported. However, a similar non-NMD truncation c.713_719dupCCTGGGC p.Ala241Leufs*9 creating a nascent stop codon at the same position (p.250) and a downstream nonsense variant (p.Trp242*) have been reported as variants of uncertain significance in at least 1 individual, respectively, with clinical features of FOLR1-related conditions (PubMed: 36801247, Labcorp Genetics (formerly Invitae)). Further, this variant occurs downstream of the preferred GPI anchor modification site for this protein, p.Ser234 (PMID: 7578066), suggesting GPI may not be impacted; however the variant might disturb the linker region and hydrophobic tail important for GPI modification/membrane anchoring (PMID: 22431723). These assertions have not been directly tested with in vitro or in vivo experiments for the present variant. No submitters have cited clinical-significance assessments for this variant to ClinVar. Based on the evidence outlined above, the variant was classified as VUS-possibly pathogenic.

NM_016729.3(FOLR1):c.714_715insCTGGGCC (p.Trp239fs)

Genes: FOLR1 (folate receptor alpha; plus strand), FOLR1-AS1 (FOLR1 antisense RNA 1; minus strand). Cytogenetic location: 11q13.4.
Variant type: Insertion.
Coding change: c.714_715insCTGGGCC on transcript NM_016729.3 (MANE Select); coding-DNA positions 714 to 715, CTGGGCC inserted.
Protein change: p.Trp239fs; shifts the reading frame from tryptophan 239.
Molecular consequence: frameshift variant.
Genome position: GRCh38 VCF-style: chr11-72196115-C-CCCCTGGG. GRCh37 (hg19) VCF-style: chr11-71907159-C-CCCCTGGG.
Other names: c.714_715insCTGGGCC, p.Trp239fs (NM_000802.3, NM_016724.3, NM_016725.3); short protein forms W239fs.
Identifiers: ClinVar variation 3896427 (VCV003896427.2).